The following is an entry in ClinVar:

NM_001159699.2(FHL1):c.376dup (p.Ala126fs)

Gene: FHL1 (four and a half LIM domains 1; plus strand). Cytogenetic location: Xq26.3.
Variant type: Duplication.
Coding change: c.376dup on transcript NM_001159699.2 (MANE Select); coding-DNA position 376, one base duplicated (G; older notation c.376dupG).
Protein change: p.Ala126fs; shifts the reading frame from alanine 126.
Molecular consequence: frameshift variant. On other transcripts: non-coding transcript variant (1).
Genome position (GRCh38, 1-based): chrX:136,207,187, G duplicated; the last of 2 consecutive G bases (chrX:136,207,186-136,207,187); duplicating either gives the same sequence. VCF-style (leftmost placement, unchanged base first): chrX-136207185-T-TG. GRCh37 (hg19) VCF-style: chrX-135289344-T-TG.
Other names: c.328dup, p.Ala110fs (NM_001159700.2, NM_001159702.3, NM_001159703.2 and 9 more transcripts); c.415dup, p.Ala139fs (NM_001159701.2); c.376dup, p.Ala126fs (NM_001330659.2, NM_001440769.1); short protein forms A110fs, A126fs, A139fs.
Identifiers: ClinVar variation 4293477 (VCV004293477.1).

ClinVar aggregate classification (germline): Pathogenic (1 of 4 stars; one submission).

Conditions:
FHL1-related disorder. Also called: FHL1-related condition; FHL1-related disorders.

Submission:

3billion
Classification: Pathogenic for FHL1-related disorder. Last evaluated: 2024-08-12. Review status: criteria provided, single submitter. Criteria: ACMG Guidelines, 2015. Collection method: clinical testing. Allele origin: germline. Affected: yes.
Comment: The variant is not observed in the gnomAD v4.0.0 dataset. Predicted Consequence/Location: Frameshift: predicted to result in a loss or disruption of normal protein function through nonsense-mediated decay (NMD) or protein truncation. Multiple pathogenic variants are reported downstream of the variant. The variant has been reported to be associated with FHL1 related disorder (3billion dataset). Therefore, this variant is classified as Pathogenic according to the recommendation of ACMG/AMP guideline.